The following is an entry in ClinVar:

ClinVar aggregate classification (germline): Uncertain significance (1 of 4 stars; one submission).

Conditions:
Gnathodiaphyseal dysplasia (GDD). Also called: GNATHODIAPHYSEAL SCLEROSIS; OSTEOGENESIS IMPERFECTA WITH UNUSUAL SKELETAL LESIONS. Identifiers: Orphanet 53697, MedGen C1833736, MONDO:0008151, OMIM 166260.
Autosomal recessive limb-girdle muscular dystrophy type 2L (LGMDR12). Also called: Limb-girdle muscular dystrophy, type 2L; MUSCULAR DYSTROPHY, LIMB-GIRDLE, AUTOSOMAL RECESSIVE 12; Limb-Girdle Muscular Dystrophy R12 Anoctamin-5-Related (LGMD-R12). Identifiers: Orphanet 206549, MedGen C1969785, MONDO:0012652, OMIM 611307.

Allele frequency attached by ClinVar (database versions not stated): gnomAD exomes below 0.00001; TOPMed 0.00001.
gnomAD v4.1: 1 of 1,595,886 alleles (0.000063%); highest among the groups gnomAD compares: South Asian, 0.0011%; no homozygotes.

Submission:

Labcorp Genetics (formerly Invitae), Labcorp
Classification: Uncertain significance for Autosomal recessive limb-girdle muscular dystrophy type 2L; Gnathodiaphyseal dysplasia. Last evaluated: 2024-07-29. Review status: criteria provided, single submitter. Criteria: Invitae Variant Classification Sherloc (09022015). Collection method: clinical testing. Allele origin: germline.
Comment: This sequence change falls in intron 4 of the ANO5 gene. It does not directly change the encoded amino acid sequence of the ANO5 protein. It affects a nucleotide within the consensus splice site. This variant is not present in population databases (gnomAD no frequency). This variant has not been reported in the literature in individuals affected with ANO5-related conditions. ClinVar contains an entry for this variant (Variation ID: 1466250). Variants that disrupt the consensus splice site are a relatively common cause of aberrant splicing (PMID: 17576681, 9536098). Algorithms developed to predict the effect of sequence changes on RNA splicing suggest that this variant is not likely to affect RNA splicing. In summary, the available evidence is currently insufficient to determine the role of this variant in disease. Therefore, it has been classified as a Variant of Uncertain Significance.

Literature cited by the submitters: PubMed 17576681; PubMed 9536098.

NM_213599.3(ANO5):c.181-3C>T

Gene: ANO5 (anoctamin 5; plus strand). Cytogenetic location: 11p14.3.
Variant type: single nucleotide variant.
Coding change: c.181-3C>T on transcript NM_213599.3 (MANE Select); 3 bases into the intron before coding-DNA position 181, C replaced by T.
Molecular consequence: intron variant.
Genome position (GRCh38, 1-based): chr11:22,221,094, C>T. VCF-style: chr11-22221094-C-T. GRCh37 (hg19) VCF-style: chr11-22242640-C-T.
Other names: c.178-3C>T (NM_001142649.2).
Identifiers: ClinVar variation 1466250 (VCV001466250.6), dbSNP rs1413673264, ClinGen allele CA674609132.